The following is an entry in ClinVar:

NM_003000.3(SDHB):c.443C>G (p.Ala148Gly)

Gene: SDHB (succinate dehydrogenase complex iron sulfur subunit B; minus strand). Cytogenetic location: 1p36.13.
Variant type: single nucleotide variant.
Coding change: c.443C>G on transcript NM_003000.3 (MANE Select); coding-DNA position 443, C replaced by G.
Protein change: p.Ala148Gly; replaces alanine 148 with glycine.
Molecular consequence: missense variant.
Genome position (GRCh38, 1-based): chr1:17,027,846, G>C on the plus strand (C>G on the coding strand, the complement: SDHB is on the minus strand). VCF-style: chr1-17027846-G-C. GRCh37 (hg19) VCF-style: chr1-17354341-G-C.
Other names: c.389C>G, p.Ala130Gly (NM_001407361.1); short protein forms A130G, A148G.
Identifiers: ClinVar variation 4161251 (VCV004161251.1).

ClinVar aggregate classification (germline): Uncertain significance (1 of 4 stars; one submission).

Conditions:
Hereditary cancer-predisposing syndrome. Also called: Neoplastic Syndromes, Hereditary; Tumor predisposition; Hereditary Cancer Syndrome; Hereditary neoplastic syndrome. Identifiers: Orphanet 140162, MedGen C0027672, MeSH D009386, MONDO:0015356.

Submission:

Ambry Genetics
Classification: Uncertain significance for Hereditary cancer-predisposing syndrome. Last evaluated: 2025-08-20. Review status: criteria provided, single submitter. Criteria: Ambry Variant Classification Scheme 2023. Collection method: clinical testing. Allele origin: germline.
Comment: The p.A148G variant (also known as c.443C>G), located in coding exon 5 of the SDHB gene, results from a C to G substitution at nucleotide position 443. The alanine at codon 148 is replaced by glycine, an amino acid with similar properties. This amino acid position is conserved. In addition, this alteration is predicted to be deleterious by in silico analysis. Based on the available evidence, the clinical significance of this variant remains unclear.